The following is an entry in ClinVar:

NM_001605.3(AARS1):c.1154C>T (p.Thr385Ile)

Gene: AARS1 (alanyl-tRNA synthetase 1; minus strand). Cytogenetic location: 16q22.1.
Variant type: single nucleotide variant.
Coding change: c.1154C>T on transcript NM_001605.3 (MANE Select); coding-DNA position 1154, C replaced by T.
Protein change: p.Thr385Ile; replaces threonine 385 with isoleucine.
Molecular consequence: missense variant.
Genome position (GRCh38, 1-based): chr16:70,267,727, G>A on the plus strand (C>T on the coding strand, the complement: AARS1 is on the minus strand). VCF-style: chr16-70267727-G-A. GRCh37 (hg19) VCF-style: chr16-70301630-G-A.
Other names: short protein forms T385I.
Identifiers: ClinVar variation 3666478 (VCV003666478.2).
Genomic context (GRCh38, chr16:70,267,727, plus strand): 5'-GTCTTGCTGTCTCCCAGGCTCTGAATTTTCCTGTCCAGGATGCGACGCCCTCTGCTGAGA[G>A]TCTTGAGAAACTGCACCTCTTCTTCATTAATGATGTCCTTCACCATGTCTGGGTCCTTCT-3'
Protein context (NP_001596.2, residues 375-395): INEEEVQFLK[Thr385Ile]LSRGRRILDR

ClinVar aggregate classification (germline): Uncertain significance (1 of 4 stars; one submission).

Conditions:
Charcot-Marie-Tooth disease type 2. Also called: Charcot-Marie-Tooth type 2. Identifiers: Orphanet 64746, MedGen C0270914, MONDO:0018993.

Submission:

Labcorp Genetics (formerly Invitae), Labcorp
Classification: Uncertain significance for Charcot-Marie-Tooth disease type 2. Last evaluated: 2024-09-08. Review status: criteria provided, single submitter. Criteria: Invitae Variant Classification Sherloc (09022015). Collection method: clinical testing. Allele origin: germline.
Comment: This sequence change replaces threonine, which is neutral and polar, with isoleucine, which is neutral and non-polar, at codon 385 of the AARS protein (p.Thr385Ile). This variant is not present in population databases (gnomAD no frequency). This variant has not been reported in the literature in individuals affected with AARS-related conditions. Invitae Evidence Modeling of protein sequence and biophysical properties (such as structural, functional, and spatial information, amino acid conservation, physicochemical variation, residue mobility, and thermodynamic stability) has been performed for this missense variant. However, the output from this modeling did not meet the statistical confidence thresholds required to predict the impact of this variant on AARS protein function. In summary, the available evidence is currently insufficient to determine the role of this variant in disease. Therefore, it has been classified as a Variant of Uncertain Significance.